The following is an entry in ClinVar:

ClinVar aggregate classification (germline): Likely benign. Review status: criteria provided, single submitter (1 of 4 stars). 2 submissions from 2 submitters: Likely benign (1). 1 of the submissions does not count toward it. Last evaluated 2024-05-01.

Conditions:
TRIP12-related disorder. Also called: TRIP12-related condition.

Allele frequency attached by ClinVar (database versions not stated): 1000 Genomes Project 30x 0.00031; ESP Exome Variant Server 0.00031; 1000 Genomes Project 0.00040; TOPMed 0.00042; gnomAD 0.00057; gnomAD exomes 0.00068; ExAC 0.00095.
gnomAD v4.1: 1,065 of 1,614,218 alleles (0.066%); highest among the groups gnomAD compares: Non-Finnish European, 0.08%; 2 homozygotes.

Submissions (2):

CeGaT Center for Human Genetics Tuebingen
Classification: Likely benign. Last evaluated: 2024-05-01. Review status: criteria provided, single submitter. Criteria: CeGaT Center For Human Genetics Tuebingen Variant Classification Criteria Version 2. Collection method: clinical testing. Allele origin: germline. Affected: yes. Observed: 3 variant alleles.
Comment: TRIP12: PP2, BS1

PreventionGenetics, part of Exact Sciences
Classification: Likely benign for TRIP12-related condition. Last evaluated: 2021-02-22. Review status: no assertion criteria provided. Collection method: clinical testing. Allele origin: germline. Not counted in ClinVar's aggregate classification.
Comment: This variant is classified as likely benign based on ACMG/AMP sequence variant interpretation guidelines (Richards et al. 2015 PMID: 25741868, with internal and published modifications).

NM_001348323.3(TRIP12):c.920G>A (p.Arg307His)

Gene: TRIP12 (thyroid hormone receptor interactor 12; minus strand). Cytogenetic location: 2q36.3.
Variant type: single nucleotide variant.
Coding change: c.920G>A on transcript NM_001348323.3 (MANE Select); coding-DNA position 920, G replaced by A.
Protein change: p.Arg307His; replaces arginine 307 with histidine.
Molecular consequence: missense variant. On other transcripts: intron variant (3).
Genome position (GRCh38, 1-based): chr2:229,858,879, C>T on the plus strand (G>A on the coding strand, the complement: TRIP12 is on the minus strand). VCF-style: chr2-229858879-C-T. GRCh37 (hg19) VCF-style: chr2-230723595-C-T.
Other names: c.920G>A, p.Arg307His (NM_001284214.2, NM_001348315.2, NM_001348319.1 and 13 more transcripts); c.794G>A, p.Arg265His (NM_001284215.2, NM_001348316.2, NM_001348317.1 and 3 more transcripts); c.920G>A (NM_001284214.1); c.98+21103G>A (NM_001284216.2); c.880+40G>A (NM_001348332.1, NM_001348334.1); short protein forms R265H, R307H.
Identifiers: ClinVar variation 2651987 (VCV002651987.25), dbSNP rs188117573, ClinGen allele CA2153420.
Genomic context (GRCh38, chr2:229,858,879, plus strand): 5'-GACTTAGAAGACCCTGGAAGAGACAGTTTTGTTTTAGGAAGGCTAACTTTAGGGCTGAAA[C>T]GAGCAGCCCAATCAAATTTTGAAGAGCCACCAGTTTTACTCTGTTCCTTTTCCCTGCTAC-3'
Protein context (NP_001335252.1, residues 297-317): GGSSKFDWAA[Arg307His]FSPKVSLPKT